The following is an entry in ClinVar:

ClinVar aggregate classification (germline): Uncertain significance. Review status: criteria provided, multiple submitters, no conflicts (2 of 4 stars). 2 submissions from 2 submitters: Uncertain significance (2). Last evaluated 2023-10-10.

Conditions:
Immunodeficiency 51 (IMD51). Also called: CANDIDIASIS, FAMILIAL, 5. Identifiers: Orphanet 1334, MedGen C4310803, MONDO:0013500, OMIM 613953.

Allele frequency attached by ClinVar (database versions not stated): gnomAD exomes below 0.00001; TOPMed below 0.00001.
gnomAD v4.1: 7 of 1,611,840 alleles (0.00043%); highest among the groups gnomAD compares: East Asian, 0.0022%; no homozygotes.

Submissions (2):

Ambry Genetics
Classification: Uncertain significance. Last evaluated: 2023-10-10. Review status: criteria provided, single submitter. Criteria: Ambry Variant Classification Scheme 2023. Collection method: clinical testing. Allele origin: germline.

Labcorp Genetics (formerly Invitae), Labcorp
Classification: Uncertain significance for Immunodeficiency 51. Last evaluated: 2022-06-13. Review status: criteria provided, single submitter. Criteria: Invitae Variant Classification Sherloc (09022015). Collection method: clinical testing. Allele origin: germline.
Comment: In summary, the available evidence is currently insufficient to determine the role of this variant in disease. Therefore, it has been classified as a Variant of Uncertain Significance. Algorithms developed to predict the effect of missense changes on protein structure and function output the following: SIFT: "Tolerated"; PolyPhen-2: "Benign"; Align-GVGD: "Class C0". The methionine amino acid residue is found in multiple mammalian species, which suggests that this missense change does not adversely affect protein function. ClinVar contains an entry for this variant (Variation ID: 858242). This variant has not been reported in the literature in individuals affected with IL17RA-related conditions. This variant is not present in population databases (gnomAD no frequency). This sequence change replaces valine, which is neutral and non-polar, with methionine, which is neutral and non-polar, at codon 721 of the IL17RA protein (p.Val721Met).

NM_014339.7(IL17RA):c.2161G>A (p.Val721Met)

Gene: IL17RA (interleukin 17 receptor A; plus strand). Cytogenetic location: 22q11.1.
Variant type: single nucleotide variant.
Coding change: c.2161G>A on transcript NM_014339.7 (MANE Select); coding-DNA position 2161, G replaced by A.
Protein change: p.Val721Met; replaces valine 721 with methionine.
Molecular consequence: missense variant.
Genome position (GRCh38, 1-based): chr22:17,109,380, G>A. VCF-style: chr22-17109380-G-A. GRCh37 (hg19) VCF-style: chr22-17590270-G-A.
Other names: c.2059G>A, p.Val687Met (NM_001289905.2); c.2161G>A (NM_014339.5); short protein forms V687M, V721M.
Identifiers: ClinVar variation 858242 (VCV000858242.10), dbSNP rs369516280, ClinGen allele CA321153222.
Genomic context (GRCh38, chr22:17,109,380, plus strand): 5'-GAGGCCTGCCCGCTGCTGGGCAGCCCGGGCGCTGGGCGAAATAGCGTCCTCTTCCTCCCC[G>A]TGGACCCCGAGGACTCGCCCCTTGGCAGCAGCACCCCCATGGCGTCTCCTGACCTCCTTC-3'
Protein context (NP_055154.3, residues 711-731): AGRNSVLFLP[Val721Met]DPEDSPLGSS